The following is an entry in ClinVar:

ClinVar aggregate classification (germline): Likely benign (1 of 4 stars; one submission).

Conditions:
PLEC-related disorder. Also called: PLEC-related condition; PLEC-related disorders.

gnomAD v4.1: 6 of 1,540,318 alleles (0.00039%); highest among the groups gnomAD compares: East Asian, 0.0024%; no homozygotes.

Submission:

PreventionGenetics, part of Exact Sciences
Classification: Likely benign for PLEC-related condition. Last evaluated: 2025-12-18. Review status: criteria provided, single submitter. Criteria: ACMG Guidelines, 2015. Collection method: clinical testing. Allele origin: germline.
Comment: This variant is classified as likely benign based on ACMG/AMP sequence variant interpretation guidelines (Richards et al. 2015 PMID: 25741868, with internal and published modifications).

NM_201384.3(PLEC):c.4045-5C>T

Gene: PLEC (plectin; minus strand). Cytogenetic location: 8q24.3.
Variant type: single nucleotide variant.
Coding change: c.4045-5C>T on transcript NM_201384.3 (MANE Select); 5 bases into the intron before coding-DNA position 4045, C replaced by T.
Molecular consequence: intron variant.
Genome position (GRCh38, 1-based): chr8:143,925,889, G>A on the plus strand (C>T on the coding strand, the complement: PLEC is on the minus strand). VCF-style: chr8-143925889-G-A. GRCh37 (hg19) VCF-style: chr8-145000057-G-A.
Other names: c.4125+895C>T (NM_001410941.1); c.4126-5C>T (NM_000445.5); c.4003-5C>T (NM_201378.4); c.3979-5C>T (NM_201379.3); c.4456-5C>T (NM_201380.4); c.3949-5C>T (NM_201381.3); c.4045-5C>T (NM_201382.4); c.4057-5C>T (NM_201383.3).
Identifiers: ClinVar variation 4979832 (VCV004979832.1).